The following is an entry in ClinVar:

ClinVar aggregate classification (germline): Uncertain significance. Review status: criteria provided, multiple submitters, no conflicts (2 of 4 stars). 5 submissions from 5 submitters: Uncertain significance (5). Last evaluated 2026-01-26.

Conditions:
Bethlem myopathy 1A. Also called: MYOPATHY, BENIGN CONGENITAL, WITH CONTRACTURES; Bethlem Muscular Dystrophy; Bethlem myopathy 1. Identifiers: Orphanet 610, MedGen CN029274, MONDO:0024530, OMIM 158810.

Allele frequency attached by ClinVar (database versions not stated): TOPMed 0.00009; gnomAD 0.00010 and 0.00011; gnomAD exomes 0.00017; ExAC 0.00022; ESP Exome Variant Server 0.00023.

Submissions (5):

Labcorp Genetics (formerly Invitae), Labcorp
Classification: Uncertain significance for Bethlem myopathy 1A. Last evaluated: 2026-01-26. Review status: criteria provided, single submitter. Criteria: Invitae Variant Classification Sherloc (09022015). Collection method: clinical testing. Allele origin: germline.
Comment: This sequence change replaces glycine, which is neutral and non-polar, with serine, which is neutral and polar, at codon 950 of the COL6A2 protein (p.Gly950Ser). This variant is present in population databases (rs147054208, gnomAD 0.06%). This missense change has been observed in individual(s) with clinical features of autosomal recessive COL6A2-related disease (internal data). ClinVar contains an entry for this variant (Variation ID: 498181). Invitae Evidence Modeling of protein sequence and biophysical properties (such as structural, functional, and spatial information, amino acid conservation, physicochemical variation, residue mobility, and thermodynamic stability) indicates that this missense variant is expected to disrupt COL6A2 protein function with a positive predictive value of 80%. In summary, the available evidence is currently insufficient to determine the role of this variant in disease. Therefore, it has been classified as a Variant of Uncertain Significance.

GeneDx
Classification: Uncertain significance. Last evaluated: 2025-10-01. Review status: criteria provided, single submitter. Criteria: GeneDx Variant Classification Process June 2021. Collection method: clinical testing. Allele origin: germline. Affected: yes.
Comment: Has not been previously published as pathogenic or benign to our knowledge; In silico analysis supports that this missense variant has a deleterious effect on protein structure/function

CeGaT Center for Human Genetics Tuebingen
Classification: Uncertain significance. Last evaluated: 2025-02-01. Review status: criteria provided, single submitter. Criteria: CeGaT Center For Human Genetics Tuebingen Variant Classification Criteria Version 2. Collection method: clinical testing. Allele origin: germline. Affected: yes. Observed: 2 variant alleles.
Comment: COL6A2: PM2, PP3

Revvity Omics, Revvity
Classification: Uncertain significance. Last evaluated: 2025-01-22. Review status: criteria provided, single submitter. Criteria: ACMG Guidelines, 2015. Collection method: clinical testing. Allele origin: germline.

Eurofins Ntd Llc (ga)
Classification: Uncertain significance. Last evaluated: 2016-11-03. Review status: criteria provided, single submitter. Criteria: EGL Classification Definitions 2015. Collection method: clinical testing. Allele origin: germline. Observed: 2 variant alleles, 2 heterozygotes.

NM_001849.4(COL6A2):c.2848G>A (p.Gly950Ser)

Gene: COL6A2 (collagen type VI alpha 2 chain; plus strand). Cytogenetic location: 21q22.3.
Variant type: single nucleotide variant.
Coding change: c.2848G>A on transcript NM_001849.4 (MANE Select); coding-DNA position 2848, G replaced by A.
Protein change: p.Gly950Ser; replaces glycine 950 with serine.
Molecular consequence: missense variant.
Genome position (GRCh38, 1-based): chr21:46,132,340, G>A. VCF-style: chr21-46132340-G-A. GRCh37 (hg19) VCF-style: chr21-47552254-G-A.
Other names: short protein forms G950S.
Identifiers: ClinVar variation 498181 (VCV000498181.36), dbSNP rs147054208, ClinGen allele CA10073052.